The following is an entry in ClinVar:

ClinVar aggregate classification (germline): Benign/Likely benign. Review status: criteria provided, multiple submitters, no conflicts (2 of 4 stars). 13 submissions from 13 submitters: Benign (9); Likely benign (2). 2 of the submissions do not count toward it. Last evaluated 2026-10-01.

Conditions:
Breast and/or ovarian cancer. Identifiers: MedGen CN221562.
Hereditary cancer-predisposing syndrome. Also called: Neoplastic Syndromes, Hereditary; Tumor predisposition; Hereditary neoplastic syndrome; Hereditary Cancer Syndrome. Identifiers: Orphanet 140162, MedGen C0027672, MeSH D009386, MONDO:0015356.
Breast-ovarian cancer, familial, susceptibility to, 4. Identifiers: Orphanet 145, MedGen C3280345, MONDO:0013669, OMIM 614291.
Malignant tumor of breast. Also called: Malignant breast neoplasm; Cancer breast. Identifiers: MedGen C0006142, MONDO:0007254. Disease mechanism: loss of function.

Allele frequency attached by ClinVar (database versions not stated): gnomAD exomes 0.00031 and 0.00088; ExAC 0.00113; 1000 Genomes Project 0.00240; 1000 Genomes Project 30x 0.00297; ESP Exome Variant Server 0.00323; gnomAD 0.00368 and 0.00399; TOPMed 0.00432.
gnomAD v4.1: 1,029 of 1,614,178 alleles (0.064%); highest among the groups gnomAD compares: African/African-American, 1.2%; 8 homozygotes.

Submissions (13):

CeGaT Center for Human Genetics Tuebingen
Classification: Likely benign. Last evaluated: 2026-10-01. Review status: criteria provided, single submitter. Criteria: CeGaT Center For Human Genetics Tuebingen Variant Classification Criteria Version 2. Collection method: clinical testing. Allele origin: germline. Affected: yes. Observed: 1 variant allele.
Comment: RAD51D: BP4, BP7, BS1

Labcorp Genetics (formerly Invitae), Labcorp
Classification: Benign for Breast-ovarian cancer, familial, susceptibility to, 4. Last evaluated: 2026-02-03. Review status: criteria provided, single submitter. Criteria: Invitae Variant Classification Sherloc (09022015). Collection method: clinical testing. Allele origin: germline.

Center for Genomic Medicine, Rigshospitalet, Copenhagen University Hospital
Classification: Benign. Last evaluated: 2025-03-04. Review status: criteria provided, single submitter. Criteria: ACMG Guidelines, 2015. Collection method: clinical testing. Allele origin: germline.

Myriad Genetics, Inc.
Classification: Benign for Breast-ovarian cancer, familial, susceptibility to, 4. Last evaluated: 2023-04-06. Review status: criteria provided, single submitter. Criteria: Myriad Autosomal Dominant, Autosomal Recessive and X-Linked Classification Criteria (2023). Collection method: clinical testing. Allele origin: unknown.
Comment: This variant is considered benign. This variant is a silent/synonymous amino acid change and it is not expected to impact splicing.

Quest Diagnostics Nichols Institute San Juan Capistrano
Classification: Benign. Last evaluated: 2022-07-18. Review status: criteria provided, single submitter. Criteria: Quest Diagnostics criteria. Collection method: clinical testing. Allele origin: unknown.

CHEO Genetics Diagnostic Laboratory, Children's Hospital of Eastern Ontario
Classification: Benign for Breast and/or ovarian cancer. Last evaluated: 2022-05-02. Review status: criteria provided, single submitter. Criteria: ACMG Guidelines, 2015. Collection method: clinical testing. Allele origin: germline.

ARUP Laboratories, Molecular Genetics and Genomics, ARUP Laboratories
Classification: Benign for Breast-ovarian cancer, familial, susceptibility to, 4. Last evaluated: 2021-05-22. Review status: criteria provided, single submitter. Criteria: ARUP Molecular Germline Variant Investigation Process 2021. Collection method: clinical testing. Allele origin: germline.

PreventionGenetics, part of Exact Sciences
Classification: Benign. Last evaluated: 2017-08-11. Review status: criteria provided, single submitter. Criteria: ACMG Guidelines, 2015. Collection method: clinical testing. Allele origin: germline.

Color Diagnostics, LLC DBA Color Health
Classification: Benign for Hereditary cancer-predisposing syndrome. Last evaluated: 2015-04-22. Review status: criteria provided, single submitter. Criteria: ACMG Guidelines, 2015. Collection method: clinical testing. Allele origin: germline.

Ambry Genetics
Classification: Likely benign for Hereditary cancer-predisposing syndrome. Last evaluated: 2014-07-22. Review status: criteria provided, single submitter. Criteria: Ambry Variant Classification Scheme 2023. Collection method: clinical testing. Allele origin: germline.

GeneDx
Classification: Benign. Last evaluated: 2014-01-09. Review status: criteria provided, single submitter. Criteria: GeneDx Variant Classification (06012015). Collection method: clinical testing. Allele origin: germline. Affected: yes.
Comment: This variant is considered likely benign or benign based on one or more of the following criteria: it is a conservative change, it occurs at a poorly conserved position in the protein, it is predicted to be benign by multiple in silico algorithms, and/or has population frequency not consistent with disease.

Counsyl
Classification: Benign for Breast-ovarian cancer, familial, susceptibility to, 4. Last evaluated: 2016-05-25. Review status: no assertion criteria provided. Collection method: clinical testing. Allele origin: unknown. Not counted in ClinVar's aggregate classification.

Department of Pathology and Laboratory Medicine, Sinai Health System
Classification: Likely benign for Malignant tumor of breast. Review status: no assertion criteria provided. Collection method: clinical testing. Allele origin: unknown. Affected: yes. Observed: 3 variant alleles. Study: The Canadian Open Genetics Repository (COGR). Not counted in ClinVar's aggregate classification.
Comment: The RAD51D p.Arg291= variant was not identified in the literature nor was it identified in the Cosmic and Zhejiang Colon Cancer Database. The variant was also identified in dbSNP (ID: rs140848654) â€šÃ„ÃºWith Likely benign alleleâ€šÃ„Ã¹, ClinVar (classified benign by GeneDx, Invitae, Counsyl; and likely benign by Ambry Genetics, Illumina), Clinvitae (4X) and in control databases in 325 (2 homozygous) of 277174 chromosomes at a frequency of 0.001 increasing the likelihood this could be a low frequency benign variant (Genome Aggregation Consortium Feb 27, 2017), being identified in the following populations: African in 301 (2 homozygous) of 24032 chromosomes (frequency: 0.01), Other in 3 of 6460 chromosomes (frequency: 0005), Latino in 17 of 34418 chromosomes (frequency: 0.0005), European Non-Finnish in 4 of 126672 chromosomes (frequency: 00003). The p.Arg291= variant is not expected to have clinical significance because it does not result in a change of amino acid and is not located in a known consensus splice site. In summary, based on the above information the clinical significance of this variant cannot be determined with certainty at this time although we would lean towards a more benign role for this variant. This variant is classified as likely benign.

NM_002878.4(RAD51D):c.873C>T (p.Arg291=)

Genes: RAD51L3-RFFL (RAD51L3-RFFL readthrough; minus strand), RAD51D (RAD51 paralog D; minus strand). Cytogenetic location: 17q12.
Variant type: single nucleotide variant.
Coding change: c.873C>T on transcript NM_002878.4 (MANE Select); coding-DNA position 873, C replaced by T.
Protein change: p.Arg291=; no amino-acid change (arginine 291 retained).
Molecular consequence: synonymous variant. On other transcripts: non-coding transcript variant (3).
Genome position (GRCh38, 1-based): chr17:35,101,231, G>A on the plus strand (C>T on the coding strand, the complement: RAD51D is on the minus strand). VCF-style: chr17-35101231-G-A. GRCh37 (hg19) VCF-style: chr17-33428250-G-A.
Other names: p.R291R:CGC>CGT; c.933C>T, p.Arg311= (NM_001142571.2); c.537C>T, p.Arg179= (NM_133629.3).
Identifiers: ClinVar variation 138876 (VCV000138876.36), dbSNP rs140848654, ClinGen allele CA293036.